The following is an entry in ClinVar:

NM_003579.4(RAD54L):c.1782C>G (p.Asp594Glu)

Gene: RAD54L (RAD54 like; plus strand). Cytogenetic location: 1p34.1.
Variant type: single nucleotide variant.
Coding change: c.1782C>G on transcript NM_003579.4 (MANE Select); coding-DNA position 1782, C replaced by G.
Protein change: p.Asp594Glu; replaces aspartic acid 594 with glutamic acid.
Molecular consequence: missense variant.
Genome position (GRCh38, 1-based): chr1:46,274,630, C>G. VCF-style: chr1-46274630-C-G. GRCh37 (hg19) VCF-style: chr1-46740302-C-G.
Other names: c.1782C>G, p.Asp594Glu (NM_001142548.2); c.1242C>G, p.Asp414Glu (NM_001370766.1); short protein forms D414E, D594E.
Identifiers: ClinVar variation 2620002 (VCV002620002.2), dbSNP rs1248566044, ClinGen allele CA340185805.

ClinVar aggregate classification (germline): Uncertain significance (1 of 4 stars; one submission).

gnomAD v4.1: 3 of 1,614,086 alleles (0.00019%); highest among the groups gnomAD compares: Admixed American, 0.0033%; no homozygotes.

Submission:

Ambry Genetics
Classification: Uncertain significance. Last evaluated: 2023-08-29. Review status: criteria provided, single submitter. Criteria: Ambry Variant Classification Scheme 2023. Collection method: clinical testing. Allele origin: germline.
Comment: The p.D594E variant (also known as c.1782C>G), located in coding exon 16 of the RAD54L gene, results from a C to G substitution at nucleotide position 1782. The aspartic acid at codon 594 is replaced by glutamic acid, an amino acid with highly similar properties. This amino acid position is conserved. In addition, this alteration is predicted to be deleterious by in silico analysis. Since supporting evidence is limited at this time, the clinical significance of this alteration remains unclear.